The following is an entry in ClinVar:

NM_000143.4(FH):c.926C>T (p.Pro309Leu)

Gene: FH (fumarate hydratase; minus strand). Cytogenetic location: 1q43.
Variant type: single nucleotide variant.
Coding change: c.926C>T on transcript NM_000143.4 (MANE Select); coding-DNA position 926, C replaced by T.
Protein change: p.Pro309Leu; replaces proline 309 with leucine.
Molecular consequence: missense variant.
Genome position (GRCh38, 1-based): chr1:241,504,224, G>A on the plus strand (C>T on the coding strand, the complement: FH is on the minus strand). VCF-style: chr1-241504224-G-A. GRCh37 (hg19) VCF-style: chr1-241667524-G-A.
Other names: short protein forms P309L.
Identifiers: ClinVar variation 237119 (VCV000237119.20), dbSNP rs756528378, ClinGen allele CA1478570.

ClinVar aggregate classification (germline): Conflicting classifications of pathogenicity. Review status: criteria provided, conflicting classifications (1 of 4 stars). 5 submissions from 5 submitters: Uncertain significance (3); Likely benign (1). 1 of the submissions does not count toward it. Last evaluated 2026-01-08.

Conditions:
Hereditary leiomyomatosis and renal cell cancer. Also called: LEIOMYOMA, MULTIPLE CUTANEOUS; Reed syndrome; Multiple cutaneous and uterine leiomyomatosis; Cutaneous leiomyomata with uterine leiomyomata; Leiomyoma, hereditary multiple, of skin; Multiple cutaneous and uterine leiomyomata. Identifiers: Orphanet 523, MedGen C1708350, MONDO:0007888, OMIM 150800, HP:0007437. Disease mechanism: loss of function.
Fumarase deficiency (FMRD). Also called: Fumaric aciduria; Fumarate Hydratase Deficiency. Identifiers: Orphanet 24, MedGen C0342770, MONDO:0011730, OMIM 606812.
Hereditary cancer-predisposing syndrome. Also called: Neoplastic Syndromes, Hereditary; Hereditary neoplastic syndrome; Hereditary Cancer Syndrome; Tumor predisposition. Identifiers: Orphanet 140162, MedGen C0027672, MeSH D009386, MONDO:0015356.

Allele frequency attached by ClinVar (database versions not stated): gnomAD exomes 0.00001; TOPMed 0.00001; ExAC 0.00002; gnomAD 0.00002.

Submissions (5):

Labcorp Genetics (formerly Invitae), Labcorp
Classification: Uncertain significance. Last evaluated: 2026-01-08. Review status: criteria provided, single submitter. Criteria: Invitae Variant Classification Sherloc (09022015). Collection method: clinical testing. Allele origin: germline.
Comment: This sequence change replaces proline, which is neutral and non-polar, with leucine, which is neutral and non-polar, at codon 309 of the FH protein (p.Pro309Leu). This variant is present in population databases (rs756528378, gnomAD 0.006%). This variant has not been reported in the literature in individuals affected with FH-related conditions. ClinVar contains an entry for this variant (Variation ID: 237119). Invitae Evidence Modeling of protein sequence and biophysical properties (such as structural, functional, and spatial information, amino acid conservation, physicochemical variation, residue mobility, and thermodynamic stability) indicates that this missense variant is expected to disrupt FH protein function with a positive predictive value of 95%. In summary, the available evidence is currently insufficient to determine the role of this variant in disease. Therefore, it has been classified as a Variant of Uncertain Significance.

Ambry Genetics
Classification: Likely benign for Hereditary cancer-predisposing syndrome. Last evaluated: 2023-06-06. Review status: criteria provided, single submitter. Criteria: Ambry Variant Classification Scheme 2023. Collection method: clinical testing. Allele origin: germline.

GeneDx
Classification: Uncertain significance. Last evaluated: 2023-03-16. Review status: criteria provided, single submitter. Criteria: GeneDx Variant Classification Process June 2021. Collection method: clinical testing. Allele origin: germline. Affected: yes.
Comment: Not observed at significant frequency in large population cohorts (gnomAD); In silico analysis supports that this missense variant has a deleterious effect on protein structure/function; This variant is associated with the following publications: (PMID: 28051113)

Fulgent Genetics
Classification: Uncertain significance for Hereditary leiomyomatosis and renal cell cancer; Fumarase deficiency. Last evaluated: 2022-03-22. Review status: criteria provided, single submitter. Criteria: ACMG Guidelines, 2015. Collection method: clinical testing. Allele origin: unknown.

Natera, Inc.
Classification: Uncertain significance for Fumarase Deficiency. Last evaluated: 2020-09-23. Review status: no assertion criteria provided. Collection method: clinical testing. Allele origin: germline. Not counted in ClinVar's aggregate classification.